The following is an entry in ClinVar:

NM_005909.5(MAP1B):c.7277C>T (p.Ser2426Leu)

Gene: MAP1B (microtubule associated protein 1B; plus strand). Cytogenetic location: 5q13.2.
Variant type: single nucleotide variant.
Coding change: c.7277C>T on transcript NM_005909.5 (MANE Select); coding-DNA position 7277, C replaced by T.
Protein change: p.Ser2426Leu; replaces serine 2426 with leucine.
Molecular consequence: missense variant.
Genome position (GRCh38, 1-based): chr5:72,205,109, C>T. VCF-style: chr5-72205109-C-T. GRCh37 (hg19) VCF-style: chr5-71500936-C-T.
Other names: c.6899C>T, p.Ser2300Leu (NM_001324255.2); short protein forms S2300L, S2426L.
Identifiers: ClinVar variation 3897315 (VCV003897315.1).

ClinVar aggregate classification (germline): Uncertain significance (1 of 4 stars; one submission).

Submission:

GeneDx
Classification: Uncertain significance. Last evaluated: 2024-10-28. Review status: criteria provided, single submitter. Criteria: GeneDx Variant Classification Process June 2021. Collection method: clinical testing. Allele origin: germline. Affected: yes.
Comment: Not observed at significant frequency in large population cohorts (gnomAD); In silico analysis indicates that this missense variant does not alter protein structure/function; Has not been previously published as pathogenic or benign to our knowledge